The following is an entry in ClinVar:

ClinVar aggregate classification (germline): Uncertain significance (1 of 4 stars; one submission).

Allele frequency attached by ClinVar (database versions not stated): TOPMed 0.00002.
gnomAD v4.1: 3 of 1,472,936 alleles (0.0002%); no homozygotes.

Submission:

Labcorp Genetics (formerly Invitae), Labcorp
Classification: Uncertain significance. Last evaluated: 2022-08-22. Review status: criteria provided, single submitter. Criteria: Invitae Variant Classification Sherloc (09022015). Collection method: clinical testing. Allele origin: germline.
Comment: In summary, the available evidence is currently insufficient to determine the role of this variant in disease. Therefore, it has been classified as a Variant of Uncertain Significance. Algorithms developed to predict the effect of missense changes on protein structure and function (SIFT, PolyPhen-2, Align-GVGD) all suggest that this variant is likely to be tolerated. This variant has not been reported in the literature in individuals affected with C7-related conditions. This variant is not present in population databases (gnomAD no frequency). This sequence change replaces isoleucine, which is neutral and non-polar, with leucine, which is neutral and non-polar, at codon 192 of the C7 protein (p.Ile192Leu).

NM_000587.4(C7):c.574A>T (p.Ile192Leu)

Gene: C7 (complement C7; plus strand). Cytogenetic location: 5p13.1.
Variant type: single nucleotide variant.
Coding change: c.574A>T on transcript NM_000587.4 (MANE Select); coding-DNA position 574, A replaced by T.
Protein change: p.Ile192Leu; replaces isoleucine 192 with leucine.
Molecular consequence: missense variant.
Genome position (GRCh38, 1-based): chr5:40,945,204, A>T. VCF-style: chr5-40945204-A-T. GRCh37 (hg19) VCF-style: chr5-40945306-A-T.
Other names: short protein forms I192L.
Identifiers: ClinVar variation 1942888 (VCV001942888.3), dbSNP rs907375063, ClinGen allele CA117212102.